The following is an entry in ClinVar:

ClinVar aggregate classification (germline): Uncertain significance (1 of 4 stars; one submission).

Conditions:
Inborn genetic diseases. Identifiers: MedGen C0950123, MeSH D030342.

Allele frequency attached by ClinVar (database versions not stated): gnomAD exomes below 0.00001; TOPMed 0.00001.
gnomAD v4.1: 1 of 1,614,220 alleles (0.000062%); highest among the groups gnomAD compares: Non-Finnish European, 0.000085%; no homozygotes.

Submission:

Ambry Genetics
Classification: Uncertain significance for Inborn genetic diseases. Last evaluated: 2022-11-27. Review status: criteria provided, single submitter. Criteria: Ambry Variant Classification Scheme 2023. Collection method: clinical testing. Allele origin: germline.
Comment: The p.T54I variant (also known as c.161C>T), located in coding exon 2 of the BUB1B gene, results from a C to T substitution at nucleotide position 161. The threonine at codon 54 is replaced by isoleucine, an amino acid with similar properties. This amino acid position is conserved. In addition, this alteration is predicted to be tolerated by in silico analysis. Since supporting evidence is limited at this time, the clinical significance of this alteration remains unclear.

NM_001211.6(BUB1B):c.161C>T (p.Thr54Ile)

Gene: BUB1B (BUB1 mitotic checkpoint serine/threonine kinase B; plus strand). Cytogenetic location: 15q15.1.
Variant type: single nucleotide variant.
Coding change: c.161C>T on transcript NM_001211.6 (MANE Select); coding-DNA position 161, C replaced by T.
Protein change: p.Thr54Ile; replaces threonine 54 with isoleucine.
Molecular consequence: missense variant.
Genome position (GRCh38, 1-based): chr15:40,165,178, C>T. VCF-style: chr15-40165178-C-T. GRCh37 (hg19) VCF-style: chr15-40457379-C-T.
Other names: short protein forms T54I.
Identifiers: ClinVar variation 2497649 (VCV002497649.2), dbSNP rs755690280, ClinGen allele CA391677301.